The following is an entry in ClinVar:

NM_005751.5(AKAP9):c.6292C>G (p.Pro2098Ala)

Gene: AKAP9 (A-kinase anchoring protein 9; plus strand). Cytogenetic location: 7q21.2.
Variant type: single nucleotide variant.
Coding change: c.6292C>G on transcript NM_005751.5 (MANE Select); coding-DNA position 6292, C replaced by G.
Protein change: p.Pro2098Ala; replaces proline 2098 with alanine.
Molecular consequence: missense variant.
Genome position (GRCh38, 1-based): chr7:92,066,508, C>G. VCF-style: chr7-92066508-C-G. GRCh37 (hg19) VCF-style: chr7-91695822-C-G.
Other names: c.937C>G, p.Pro313Ala (NM_001379277.1); c.6292C>G, p.Pro2098Ala (NM_147185.3); short protein forms P2098A, P313A.
Identifiers: ClinVar variation 3686854 (VCV003686854.2).

ClinVar aggregate classification (germline): Uncertain significance (1 of 4 stars; one submission).

Conditions:
Long QT syndrome (LQTS). Identifiers: MedGen C0023976, MeSH D008133, MONDO:0002442. Disease mechanism: loss of function. Inheritance: Various modes of inheritance.

gnomAD v4.1: 1 of 1,613,500 alleles (0.000062%); highest among the groups gnomAD compares: East Asian, 0.0022%; no homozygotes.

Submission:

Labcorp Genetics (formerly Invitae), Labcorp
Classification: Uncertain significance for Long QT syndrome. Last evaluated: 2024-06-03. Review status: criteria provided, single submitter. Criteria: Invitae Variant Classification Sherloc (09022015). Collection method: clinical testing. Allele origin: germline.
Comment: This sequence change replaces proline, which is neutral and non-polar, with alanine, which is neutral and non-polar, at codon 2098 of the AKAP9 protein (p.Pro2098Ala). This variant is not present in population databases (gnomAD no frequency). This variant has not been reported in the literature in individuals affected with AKAP9-related conditions. An algorithm developed to predict the effect of missense changes on protein structure and function (PolyPhen-2) suggests that this variant is likely to be disruptive. In summary, the available evidence is currently insufficient to determine the role of this variant in disease. Therefore, it has been classified as a Variant of Uncertain Significance.